The following is an entry in ClinVar:

NM_004429.5(EFNB1):c.725C>T (p.Ala242Val)

Gene: EFNB1 (ephrin B1; plus strand). Cytogenetic location: Xq13.1.
Variant type: single nucleotide variant.
Coding change: c.725C>T on transcript NM_004429.5 (MANE Select); coding-DNA position 725, C replaced by T.
Protein change: p.Ala242Val; replaces alanine 242 with valine.
Molecular consequence: missense variant.
Genome position (GRCh38, 1-based): chrX:68,840,338, C>T. VCF-style: chrX-68840338-C-T. GRCh37 (hg19) VCF-style: chrX-68060181-C-T.
Other names: c.725C>T (NM_004429.4); short protein forms A242V.
Identifiers: ClinVar variation 2888558 (VCV002888558.4), dbSNP rs779487954, ClinGen allele CA10438215.

ClinVar aggregate classification (germline): Uncertain significance. Review status: criteria provided, multiple submitters, no conflicts (2 of 4 stars). 2 submissions from 2 submitters: Uncertain significance (2). Last evaluated 2025-10-28.

Conditions:
Inborn genetic diseases. Identifiers: MedGen C0950123, MeSH D030342.

Allele frequency attached by ClinVar (database versions not stated): TOPMed below 0.00001; gnomAD exomes 0.00002; gnomAD 0.00003; ExAC 0.00004.
gnomAD v4.1: 20 of 1,210,130 alleles (0.0017%); highest among the groups gnomAD compares: Admixed American, 0.015%; no homozygotes.

Submissions (2):

Ambry Genetics
Classification: Uncertain significance for Inborn genetic diseases. Last evaluated: 2025-10-28. Review status: criteria provided, single submitter. Criteria: Ambry Variant Classification Scheme 2023. Collection method: clinical testing. Allele origin: germline.

Labcorp Genetics (formerly Invitae), Labcorp
Classification: Uncertain significance. Last evaluated: 2023-04-13. Review status: criteria provided, single submitter. Criteria: Invitae Variant Classification Sherloc (09022015). Collection method: clinical testing. Allele origin: germline.
Comment: Advanced modeling of protein sequence and biophysical properties (such as structural, functional, and spatial information, amino acid conservation, physicochemical variation, residue mobility, and thermodynamic stability) performed at Invitae indicates that this missense variant is not expected to disrupt EFNB1 protein function. In summary, the available evidence is currently insufficient to determine the role of this variant in disease. Therefore, it has been classified as a Variant of Uncertain Significance. This variant has not been reported in the literature in individuals affected with EFNB1-related conditions. This variant is present in population databases (rs779487954, gnomAD 0.008%). This sequence change replaces alanine, which is neutral and non-polar, with valine, which is neutral and non-polar, at codon 242 of the EFNB1 protein (p.Ala242Val).